The following is an entry in ClinVar:

ClinVar aggregate classification (germline): Benign/Likely benign. Review status: criteria provided, multiple submitters, no conflicts (2 of 4 stars). 3 submissions from 3 submitters: Benign (1); Likely benign (2). Last evaluated 2026-06-18.

Conditions:
ZMIZ1-related disorder. Also called: ZMIZ1-related condition.
Inborn genetic diseases. Identifiers: MedGen C0950123, MeSH D030342.

Allele frequency attached by ClinVar (database versions not stated): ExAC 0.00002; gnomAD 0.00003; TOPMed 0.00003; gnomAD exomes 0.00006; ESP Exome Variant Server 0.00008.
gnomAD v4.1: 98 of 1,614,136 alleles (0.0061%); highest among the groups gnomAD compares: Non-Finnish European, 0.0079%; no homozygotes.

Submissions (3):

PreventionGenetics, part of Exact Sciences
Classification: Likely benign for ZMIZ1-related condition. Last evaluated: 2026-06-18. Review status: criteria provided, single submitter. Criteria: ACMG Guidelines, 2015. Collection method: clinical testing. Allele origin: germline.
Comment: This variant is classified as likely benign based on ACMG/AMP sequence variant interpretation guidelines (Richards et al. 2015 PMID: 25741868, with internal and published modifications).

Labcorp Genetics (formerly Invitae), Labcorp
Classification: Benign. Last evaluated: 2025-03-13. Review status: criteria provided, single submitter. Criteria: Invitae Variant Classification Sherloc (09022015). Collection method: clinical testing. Allele origin: germline.

Ambry Genetics
Classification: Likely benign for Inborn genetic diseases. Last evaluated: 2024-08-04. Review status: criteria provided, single submitter. Criteria: Ambry Variant Classification Scheme 2023. Collection method: clinical testing. Allele origin: germline.

NM_020338.4(ZMIZ1):c.649G>T (p.Ala217Ser)

Gene: ZMIZ1 (zinc finger MIZ-type containing 1; plus strand). Cytogenetic location: 10q22.3.
Variant type: single nucleotide variant.
Coding change: c.649G>T on transcript NM_020338.4 (MANE Select); coding-DNA position 649, G replaced by T.
Protein change: p.Ala217Ser; replaces alanine 217 with serine.
Molecular consequence: missense variant.
Genome position (GRCh38, 1-based): chr10:79,291,067, G>T. VCF-style: chr10-79291067-G-T. GRCh37 (hg19) VCF-style: chr10-81050824-G-T.
Other names: c.649G>T (NM_020338.3); short protein forms A217S.
Identifiers: ClinVar variation 3014495 (VCV003014495.5), dbSNP rs200853027, ClinGen allele CA5572405.